The following is an entry in ClinVar:

ClinVar aggregate classification (germline): Pathogenic (1 of 4 stars; one submission).

Conditions:
Neurofibromatosis, type 1 (NF1). Also called: Neurofibromatosis, type I; NEUROFIBROMATOSIS, TYPE I, SOMATIC; Peripheral type neurofibromatosis; VON RECKLINGHAUSEN DISEASE. Identifiers: Orphanet 636, MedGen C0027831, MONDO:0018975, OMIM 162200. Disease mechanism: loss of function.

Submission:

Labcorp Genetics (formerly Invitae), Labcorp
Classification: Pathogenic for Neurofibromatosis, type 1. Last evaluated: 2020-10-11. Review status: criteria provided, single submitter. Criteria: Invitae Variant Classification Sherloc (09022015). Collection method: clinical testing. Allele origin: germline.
Comment: For these reasons, this variant has been classified as Pathogenic. Loss-of-function variants in NF1 are known to be pathogenic (PMID: 10712197, 23913538). This variant has not been reported in the literature in individuals with NF1-related conditions. ClinVar contains an entry for this variant (Variation ID: 404423). This variant is not present in population databases (ExAC no frequency). This sequence change creates a premature translational stop signal (p.Gln1086Cysfs*11) in the NF1 gene. It is expected to result in an absent or disrupted protein product.

Literature cited by the submitters: PubMed 10712197; PubMed 23913538.

NM_001042492.3(NF1):c.3250_3251dup (p.Gln1086fs)

Gene: NF1 (neurofibromin 1; plus strand). Cytogenetic location: 17q11.2.
Variant type: Duplication.
Coding change: c.3250_3251dup on transcript NM_001042492.3 (MANE Select); coding-DNA positions 3250 to 3251, 2 bases duplicated (CC; older notation c.3250_3251dupCC).
Protein change: p.Gln1086fs; shifts the reading frame from glutamine 1086.
Molecular consequence: frameshift variant.
Genome position (GRCh38, 1-based): chr17:31,232,125-31,232,126, CC duplicated; duplicating any 2 consecutive bases within chr17:31,232,124-31,232,126 gives the same sequence; the c. name uses the placement nearest the transcript's 3' end. VCF-style (leftmost placement, unchanged base first): chr17-31232123-T-TCC. GRCh37 (hg19) VCF-style: chr17-29559141-T-TCC.
Other names: c.3250_3251dupCC (NM_000267.3); c.3250_3251dup, p.Gln1086Cysfs (NM_000267.4); short protein forms Q1086fs.
Identifiers: ClinVar variation 404423 (VCV000404423.5), dbSNP rs1555614845, ClinGen allele CA16615196.
Genomic context (GRCh38, chr17:31,232,123, plus strand): 5'-TTTTTTTCAGAGATTTGGACCAGGCAAGCATGGAAGCAGTAGTTTCACTTCTAGCTGGTC[T>TCC]CCCTCTGCAGCCTGAAGAAGGAGATGGTGTGGAATTGATGGAAGCCAAATCACAGTTATT-3'